The following is an entry in ClinVar:

ClinVar aggregate classification (germline): Uncertain significance (1 of 4 stars; one submission).

Conditions:
Nemaline myopathy 2 (NEM2). Also called: Nemaline myopathy 2, autosomal recessive. Identifiers: MedGen C1850569, MONDO:0009725, OMIM 256030.

Submission:

Labcorp Genetics (formerly Invitae), Labcorp
Classification: Uncertain significance for Nemaline myopathy 2. Last evaluated: 2022-09-02. Review status: criteria provided, single submitter. Criteria: Invitae Variant Classification Sherloc (09022015). Collection method: clinical testing. Allele origin: germline.
Comment: This sequence change replaces histidine, which is basic and polar, with glutamine, which is neutral and polar, at codon 1845 of the NEB protein (p.His1845Gln). This variant is not present in population databases (gnomAD no frequency). This variant has not been reported in the literature in individuals affected with NEB-related conditions. Algorithms developed to predict the effect of missense changes on protein structure and function are either unavailable or do not agree on the potential impact of this missense change (SIFT: "Deleterious"; PolyPhen-2: "Not Available"; Align-GVGD: "Class C0"). In summary, the available evidence is currently insufficient to determine the role of this variant in disease. Therefore, it has been classified as a Variant of Uncertain Significance.

NM_001164508.2(NEB):c.5535C>G (p.His1845Gln)

Gene: NEB (nebulin; minus strand). Cytogenetic location: 2q23.3.
Variant type: single nucleotide variant.
Coding change: c.5535C>G on transcript NM_001164508.2 (MANE Select); coding-DNA position 5535, C replaced by G.
Protein change: p.His1845Gln; replaces histidine 1845 with glutamine.
Molecular consequence: missense variant.
Genome position (GRCh38, 1-based): chr2:151,663,776, G>C on the plus strand (C>G on the coding strand, the complement: NEB is on the minus strand). VCF-style: chr2-151663776-G-C. GRCh37 (hg19) VCF-style: chr2-152520290-G-C.
Other names: c.5535C>G, p.His1845Gln (NM_001164507.2, NM_001271208.2, NM_004543.5); short protein forms H1845Q.
Identifiers: ClinVar variation 1718718 (VCV001718718.3), dbSNP rs1575526766, ClinGen allele CA348808708.